The following is an entry in ClinVar:

NM_001378609.3(OTOGL):c.3226G>A (p.Gly1076Arg)

Gene: OTOGL (otogelin like; plus strand). Cytogenetic location: 12q21.31.
Variant type: single nucleotide variant.
Coding change: c.3226G>A on transcript NM_001378609.3 (MANE Select); coding-DNA position 3226, G replaced by A.
Protein change: p.Gly1076Arg; replaces glycine 1076 with arginine.
Molecular consequence: missense variant.
Genome position (GRCh38, 1-based): chr12:80,305,588, G>A. VCF-style: chr12-80305588-G-A. GRCh37 (hg19) VCF-style: chr12-80699368-G-A.
Other names: c.3091G>A, p.Gly1031Arg (NM_001368062.3); c.3226G>A, p.Gly1076Arg (NM_001378610.3, NM_173591.7); short protein forms G1076R, G1031R.
Identifiers: ClinVar variation 1905668 (VCV001905668.6), dbSNP rs1237419498, ClinGen allele CA385860397.

ClinVar aggregate classification (germline): Uncertain significance. Review status: criteria provided, multiple submitters, no conflicts (2 of 4 stars). 2 submissions from 2 submitters: Uncertain significance (2). Last evaluated 2022-05-07.

Conditions:
Inborn genetic diseases. Identifiers: MedGen C0950123, MeSH D030342.

Allele frequency attached by ClinVar (database versions not stated): gnomAD 0.00001; TOPMed 0.00001.
gnomAD v4.1: 8 of 1,563,104 alleles (0.00051%); highest among the groups gnomAD compares: Non-Finnish European, 0.0006%; no homozygotes.

Submissions (2):

Labcorp Genetics (formerly Invitae), Labcorp
Classification: Uncertain significance. Last evaluated: 2022-05-07. Review status: criteria provided, single submitter. Criteria: Invitae Variant Classification Sherloc (09022015). Collection method: clinical testing. Allele origin: germline.
Comment: In summary, the available evidence is currently insufficient to determine the role of this variant in disease. Therefore, it has been classified as a Variant of Uncertain Significance. Algorithms developed to predict the effect of missense changes on protein structure and function are either unavailable or do not agree on the potential impact of this missense change (SIFT: "Deleterious"; PolyPhen-2: "Probably Damaging"; Align-GVGD: "Class C0"). This variant has not been reported in the literature in individuals affected with OTOGL-related conditions. This variant is not present in population databases (gnomAD no frequency). This sequence change replaces glycine, which is neutral and non-polar, with arginine, which is basic and polar, at codon 1067 of the OTOGL protein (p.Gly1067Arg).

Ambry Genetics
Classification: Uncertain significance for Inborn genetic diseases. Last evaluated: 2022-04-06. Review status: criteria provided, single submitter. Criteria: Ambry Variant Classification Scheme 2023. Collection method: clinical testing. Allele origin: germline.